The following is an entry in ClinVar:

ClinVar aggregate classification (germline): Benign (1 of 4 stars; one submission).

Conditions:
Multiple synostoses syndrome 3 (SYNS3). Identifiers: Orphanet 3237, MedGen C2751826, MONDO:0013064, OMIM 612961.

Allele frequency attached by ClinVar (database versions not stated): 1000 Genomes Project 30x 0.00484; 1000 Genomes Project 0.00539; TOPMed 0.00700; gnomAD 0.00742.

Submission:

Illumina Laboratory Services, Illumina
Classification: Benign for Multiple synostoses syndrome 3. Last evaluated: 2018-01-13. Review status: criteria provided, single submitter. Criteria: ICSL Variant Classification Criteria 13 December 2019. Collection method: clinical testing. Allele origin: germline.
Comment: This variant was observed in the ICSL laboratory as part of a predisposition screen in an ostensibly healthy population. It had not been previously curated by ICSL or reported in the Human Gene Mutation Database (HGMD: prior to June 1st, 2018), and was therefore a candidate for classification through an automated scoring system. Utilizing variant allele frequency, disease prevalence and penetrance estimates, and inheritance mode, an automated score was calculated to assess if this variant is too frequent to cause the disease. Based on the score and internal cut-off values, a variant classified as benign is not then subjected to further curation. The score for this variant resulted in a classification of benign for this disease.

NM_002010.3(FGF9):c.*1877G>A

Gene: FGF9 (fibroblast growth factor 9; plus strand). Cytogenetic location: 13q12.11.
Variant type: single nucleotide variant.
Coding change: c.*1877G>A on transcript NM_002010.3 (MANE Select); 1877 bases downstream of the stop codon, G replaced by A.
Molecular consequence: 3 prime UTR variant.
Genome position (GRCh38, 1-based): chr13:21,703,312, G>A. VCF-style: chr13-21703312-G-A. GRCh37 (hg19) VCF-style: chr13-22277451-G-A.
Identifiers: ClinVar variation 311462 (VCV000311462.5), dbSNP rs17070759, ClinGen allele CA10643981.